The following is an entry in ClinVar:

ClinVar aggregate classification (germline): Pathogenic (1 of 4 stars; one submission).

Conditions:
Hypercoagulability syndrome due to glycosylphosphatidylinositol deficiency (GPIBD1). Also called: GLYCOSYLPHOSPHATIDYLINOSITOL BIOSYNTHESIS DEFECT 1. Identifiers: Orphanet 83639, MedGen C5201145, MONDO:0012465, OMIM 610293.

Submission:

Neuberg Centre For Genomic Medicine, NCGM
Classification: Pathogenic for Hypercoagulability syndrome due to glycosylphosphatidylinositol deficiency. Review status: criteria provided, single submitter. Criteria: ACMG Guidelines, 2015. Collection method: clinical testing. Allele origin: germline. Inheritance: Autosomal recessive inheritance. Affected: yes.
Comment: The frameshift c.401del (p.Asn134ThrfsTer22) variant in the PIGM gene has not been reported previously as a pathogenic variant nor as a benign variant, to our knowledge. The variant is absent in gnomAD Exomes. This variant causes a frameshift starting with codon Asparagine 134, changes this amino acid to Threonine residue, and creates a premature Stop codon at position 22 of the new reading frame, denoted p.Asn134ThrfsTer22. This variant is predicted to cause loss of normal protein function through protein truncation. Loss of function variants have been previously reported to be disease causing. For these reasons, this variant has been classified as Likely Pathogenic.

NM_145167.3(PIGM):c.401del (p.Asn134fs)

Gene: PIGM (phosphatidylinositol glycan anchor biosynthesis class M; minus strand). Cytogenetic location: 1q23.2.
Variant type: Deletion.
Coding change: c.401del on transcript NM_145167.3 (MANE Select); coding-DNA position 401, one base deleted (A; older notation c.401delA).
Protein change: p.Asn134fs; shifts the reading frame from asparagine 134.
Molecular consequence: frameshift variant.
Genome position (GRCh38, 1-based): chr1:160,031,339, T deleted on the plus strand (A on the coding strand, the reverse complement: PIGM is on the minus strand); the first of 2 consecutive T bases (chr1:160,031,339-160,031,340); deleting either gives the same sequence. VCF-style (leftmost placement, unchanged base first): chr1-160031338-GT-G. GRCh37 (hg19) VCF-style: chr1-160001128-GT-G.
Other names: short protein forms N134fs.
Identifiers: ClinVar variation 3362856 (VCV003362856.3).